The following is an entry in ClinVar:

ClinVar aggregate classification (germline): Uncertain significance (1 of 4 stars; one submission).

Submission:

Labcorp Genetics (formerly Invitae), Labcorp
Classification: Uncertain significance. Last evaluated: 2022-08-31. Review status: criteria provided, single submitter. Criteria: Invitae Variant Classification Sherloc (09022015). Collection method: clinical testing. Allele origin: germline.
Comment: This variant is not present in population databases (gnomAD no frequency). This variant, c.2057_2058insCAACAA, is a complex sequence change that results in the deletion of 1 and insertion of 3 amino acid(s) in the CEP78 protein (p.Glu686delinsAspAsnLys). This variant has not been reported in the literature in individuals affected with CEP78-related conditions. In summary, the available evidence is currently insufficient to determine the role of this variant in disease. Therefore, it has been classified as a Variant of Uncertain Significance. Experimental studies and prediction algorithms are not available or were not evaluated, and the functional significance of this variant is currently unknown. ClinVar contains an entry for this variant (Variation ID: 1383321).

NM_001330691.3(CEP78):c.2054_2055insCAACAA (p.Glu685delinsAspAsnLys)

Gene: CEP78 (centrosomal protein 78; plus strand). Cytogenetic location: 9q21.2.
Variant type: Insertion.
Coding change: c.2054_2055insCAACAA on transcript NM_001330691.3 (MANE Select); coding-DNA positions 2054 to 2055, CAACAA inserted.
Protein change: p.Glu685delinsAspAsnLys.
Molecular consequence: inframe indel.
Genome position: GRCh38 VCF-style: chr9-78266649-G-GACAACA. GRCh37 (hg19) VCF-style: chr9-80881565-G-GACAACA.
Other names: c.2057_2058insCAACAA, p.Glu686delinsAspAsnLys (NM_001098802.3, NM_001349839.2); c.2006_2007insCAACAA, p.Glu669delinsAspAsnLys (NM_001330693.3, NM_001330694.2); c.2054_2055insCAACAA, p.Glu685delinsAspAsnLys (NM_001349838.2); c.2009_2010insCAACAA, p.Glu670delinsAspAsnLys (NM_001349840.2, NM_032171.3).
Identifiers: ClinVar variation 1383321 (VCV001383321.6), dbSNP rs2118496884, ClinGen allele CA2573144746.